The following is an entry in ClinVar:

ClinVar aggregate classification (germline): Likely pathogenic (1 of 4 stars; one submission).

Conditions:
6-Pyruvoyl-tetrahydrobiopterin synthase deficiency. Also called: 6-Pyruvoyltetrahydropterin Synthase Deficiency; HYPERPHENYLALANINEMIA, TETRAHYDROBIOPTERIN-DEFICIENT, DUE TO PTS DEFICIENCY; Hyperphenylalanemia, BH4-deficient, A; Hyperphenylalaninemia due to 6-pyruvoyl-tetrahydropterin synthase deficiency; BH4-deficient hyperphenylalaninemia A; PTS-Related Tetrahydrobiopterin Deficiency. Identifiers: Orphanet 13, Orphanet 238583, MedGen C0878676, MONDO:0009863, OMIM 261640.

Submissions (2):

Natera, Inc.
Classification: Likely pathogenic for 6-Pyruvoyl-tetrahydrobiopterin synthase deficiency. Last evaluated: 2024-04-02. Review status: criteria provided, single submitter. Criteria: Natera Variant Classification Schema (03/2026). Collection method: clinical testing. Allele origin: germline.
Comment: The c.242A>C variant in PTS is a missense variant predicted to cause substitution of glutamic acid to alanine at amino acid 81. This variant is rare in the general population with a frequency below the threshold expected for the associated phenotype(s). This variant has been observed in one or more individuals affected with the associated recessive disease, as either homozygous or compound heterozygous with a second variant (PMID: 36313470). A different variant at the same position has been determined to be Pathogenic or Likely Pathogenic. Given the available evidence, this variant is classified as Likely Pathogenic.

Dr. Peter K. Rogan Lab, Western University
No classification provided (evidence only). Condition: Melanoma. Review status: no classification provided. Collection method: in vitro. Allele origin: not applicable. Functional consequence: skipped exon, retained intron. Not counted in ClinVar's aggregate classification.

Literature cited by the submitters: PubMed 36313470 (cited by Natera, Inc.).

NM_000317.3(PTS):c.242A>C (p.Glu81Ala)

Gene: PTS (6-pyruvoyltetrahydropterin synthase; plus strand). Cytogenetic location: 11q23.1.
Variant type: single nucleotide variant.
Coding change: c.242A>C on transcript NM_000317.3 (MANE Select); coding-DNA position 242, A replaced by C.
Protein change: p.Glu81Ala; replaces glutamic acid 81 with alanine.
Molecular consequence: missense variant.
Genome position (GRCh38, 1-based): chr11:112,230,681, A>C. VCF-style: chr11-112230681-A-C. GRCh37 (hg19) VCF-style: chr11-112101404-A-C.
Other names: NC_000011.9:g.112101404A>C; c.242A>C (NM_000317.2); short protein forms E81A.
Identifiers: ClinVar variation 4367589 (VCV004367589.2).